The following is an entry in ClinVar:

NM_014159.7(SETD2):c.2794G>A (p.Val932Ile)

Gene: SETD2 (SET domain containing 2, histone lysine methyltransferase; minus strand). Cytogenetic location: 3p21.31.
Variant type: single nucleotide variant.
Coding change: c.2794G>A on transcript NM_014159.7 (MANE Select); coding-DNA position 2794, G replaced by A.
Protein change: p.Val932Ile; replaces valine 932 with isoleucine.
Molecular consequence: missense variant. On other transcripts: non-coding transcript variant (1).
Genome position (GRCh38, 1-based): chr3:47,121,842, C>T on the plus strand (G>A on the coding strand, the complement: SETD2 is on the minus strand). VCF-style: chr3-47121842-C-T. GRCh37 (hg19) VCF-style: chr3-47163332-C-T.
Other names: c.2662G>A, p.Val888Ile (NM_001349370.3); short protein forms V932I, V888I.
Identifiers: ClinVar variation 135231 (VCV000135231.11), dbSNP rs141532143, ClinGen allele CA162086.

ClinVar aggregate classification (germline): Benign/Likely benign. Review status: criteria provided, multiple submitters, no conflicts (2 of 4 stars). 3 submissions from 3 submitters: Benign (1); Likely benign (1). 1 of the submissions does not count toward it. Last evaluated 2025-11-28.

Conditions:
Luscan-Lumish syndrome. Identifiers: Orphanet 597738, MedGen C4085873, MONDO:0014791, OMIM 616831.

Allele frequency attached by ClinVar (database versions not stated): gnomAD 0.00010; ExAC 0.00011; gnomAD exomes 0.00011 and 0.00018; ESP Exome Variant Server 0.00015; TOPMed 0.00017.
gnomAD v4.1: 192 of 1,613,972 alleles (0.012%); highest among the groups gnomAD compares: Non-Finnish European, 0.0022%; no homozygotes.

Submissions (3):

Labcorp Genetics (formerly Invitae), Labcorp
Classification: Benign for Luscan-Lumish syndrome. Last evaluated: 2025-11-28. Review status: criteria provided, single submitter. Criteria: Invitae Variant Classification Sherloc (09022015). Collection method: clinical testing. Allele origin: germline.

Blueprint Genetics
Classification: Likely benign. Last evaluated: 2023-12-11. Review status: criteria provided, single submitter. Criteria: ACMG Guidelines, 2015. Collection method: clinical testing. Allele origin: germline.

ITMI
No classification provided. Condition: AllHighlyPenetrant. Last evaluated: 2013-09-19. Review status: no classification provided. Collection method: reference population. Allele origin: germline. Not counted in ClinVar's aggregate classification.
Comment: Please see associated publication for description of ethnicities

Literature cited by the submitters: PubMed 24728327 (cited by ITMI).